The following is an entry in ClinVar:

ClinVar aggregate classification (germline): Benign/Likely benign. Review status: criteria provided, multiple submitters, no conflicts (2 of 4 stars). 17 submissions from 17 submitters: Benign (6); Likely benign (8). 3 of the submissions do not count toward it. Last evaluated 2026-09-01.

Conditions:
RB1-related disorder. Also called: RB1-related condition.
Hereditary cancer-predisposing syndrome. Also called: Neoplastic Syndromes, Hereditary; Tumor predisposition; Hereditary Cancer Syndrome; Hereditary neoplastic syndrome. Identifiers: Orphanet 140162, MedGen C0027672, MeSH D009386, MONDO:0015356.
Retinoblastoma (RB1). Also called: RETINOBLASTOMA, SOMATIC. Identifiers: Orphanet 790, MedGen C0035335, MeSH D012175, MONDO:0008380, OMIM 180200, HP:0009919. Disease mechanism: loss of function. Inheritance: Both sporadic and heritable forms are tested..

Allele frequency attached by ClinVar (database versions not stated): 1000 Genomes Project 0.00060; 1000 Genomes Project 30x 0.00062; TOPMed 0.00139; gnomAD 0.00154 and 0.00158; gnomAD exomes 0.00175; ExAC 0.00176; ESP Exome Variant Server 0.00177.
gnomAD v4.1: 3,329 of 1,551,550 alleles (0.21%); highest among the groups gnomAD compares: Non-Finnish European, 0.25%; 4 homozygotes.

Submissions (17):

CeGaT Center for Human Genetics Tuebingen
Classification: Likely benign. Last evaluated: 2026-09-01. Review status: criteria provided, single submitter. Criteria: CeGaT Center For Human Genetics Tuebingen Variant Classification Criteria Version 2. Collection method: clinical testing. Allele origin: germline. Affected: yes. Observed: 9 variant alleles.
Comment: RB1: BS1

Myriad Genetics, Inc.
Classification: Benign for Retinoblastoma. Last evaluated: 2026-06-23. Review status: criteria provided, single submitter. Criteria: Myriad Autosomal Dominant, Autosomal Recessive and X-Linked Classification Criteria (2023). Collection method: clinical testing. Allele origin: unknown.
Comment: This variant is considered benign. This variant is intronic and is not expected to impact mRNA splicing. This variant has been observed at a population frequency that is significantly greater than expected given the associated disease prevalence and penetrance.

Labcorp Genetics (formerly Invitae), Labcorp
Classification: Benign for Retinoblastoma. Last evaluated: 2026-02-03. Review status: criteria provided, single submitter. Criteria: Invitae Variant Classification Sherloc (09022015). Collection method: clinical testing. Allele origin: germline.

Blueprint Genetics
Classification: Likely benign. Last evaluated: 2024-10-30. Review status: criteria provided, single submitter. Criteria: ACMG Guidelines, 2015. Collection method: clinical testing. Allele origin: germline.

Department of Pathology and Laboratory Medicine, Sinai Health System
Classification: Likely benign for retinoblastoma. Last evaluated: 2023-11-24. Review status: criteria provided, single submitter. Criteria: ACMG Guidelines, 2015. Collection method: clinical testing. Allele origin: germline. Affected: yes.

ARUP Laboratories, Molecular Genetics and Genomics, ARUP Laboratories
Classification: Likely benign. Last evaluated: 2023-08-09. Review status: criteria provided, single submitter. Criteria: ARUP Molecular Germline Variant Investigation Process 2024. Collection method: clinical testing. Allele origin: germline.

KCCC/NGS Laboratory, Kuwait Cancer Control Center
Classification: Benign for Retinoblastoma. Last evaluated: 2023-07-07. Review status: criteria provided, single submitter. Criteria: ACMG Guidelines, 2015. Collection method: clinical testing. Allele origin: germline. Affected: yes.

Institute for Clinical Genetics, University Hospital TU Dresden, University Hospital TU Dresden
Classification: Likely benign. Last evaluated: 2021-11-03. Review status: criteria provided, single submitter. Criteria: ACMG Guidelines, 2015. Collection method: clinical testing. Allele origin: germline.

Sema4
Classification: Benign for Hereditary cancer-predisposing syndrome. Last evaluated: 2020-11-11. Review status: criteria provided, single submitter. Criteria: Sema4 Curation Guidelines. Collection method: curation. Allele origin: germline.

Mendelics
Classification: Likely benign for Retinoblastoma. Last evaluated: 2019-05-28. Review status: criteria provided, single submitter. Criteria: Mendelics Assertion Criteria 2017. Collection method: clinical testing. Allele origin: unknown.

Illumina Laboratory Services, Illumina
Classification: Benign for Retinoblastoma. Last evaluated: 2018-01-12. Review status: criteria provided, single submitter. Criteria: ICSL Variant Classification Criteria 13 December 2019. Collection method: clinical testing. Allele origin: germline.
Comment: This variant was observed in the ICSL laboratory as part of a predisposition screen in an ostensibly healthy population. It had not been previously curated by ICSL or reported in the Human Gene Mutation Database (HGMD: prior to June 1st, 2018), and was therefore a candidate for classification through an automated scoring system. Utilizing variant allele frequency, disease prevalence and penetrance estimates, and inheritance mode, an automated score was calculated to assess if this variant is too frequent to cause the disease. Based on the score and internal cut-off values, a variant classified as benign is not then subjected to further curation. The score for this variant resulted in a classification of benign for this disease.

GeneDx
Classification: Likely benign. Last evaluated: 2017-11-01. Review status: criteria provided, single submitter. Criteria: GeneDx Variant Classification (06012015). Collection method: clinical testing. Allele origin: germline. Affected: yes.
Comment: This variant is considered likely benign or benign based on one or more of the following criteria: it is a conservative change, it occurs at a poorly conserved position in the protein, it is predicted to be benign by multiple in silico algorithms, and/or has population frequency not consistent with disease.

Ambry Genetics
Classification: Likely benign for Hereditary cancer-predisposing syndrome. Last evaluated: 2016-01-04. Review status: criteria provided, single submitter. Criteria: Ambry Variant Classification Scheme 2023. Collection method: clinical testing. Allele origin: germline.

Eurofins Ntd Llc (ga)
Classification: Benign. Last evaluated: 2013-09-10. Review status: criteria provided, single submitter. Criteria: EGL Classification Definitions 2015. Collection method: clinical testing. Allele origin: germline. Observed: 1 variant allele, 1 heterozygote.

PreventionGenetics, part of Exact Sciences
Classification: Likely benign for RB1-related condition. Last evaluated: 2024-05-02. Review status: no assertion criteria provided. Collection method: clinical testing. Allele origin: germline. Not counted in ClinVar's aggregate classification.
Comment: This variant is classified as likely benign based on ACMG/AMP sequence variant interpretation guidelines (Richards et al. 2015 PMID: 25741868, with internal and published modifications).

Clinical Genetics DNA and cytogenetics Diagnostics Lab, Erasmus MC, Erasmus Medical Center
Classification: Likely benign. Review status: no assertion criteria provided. Collection method: clinical testing. Allele origin: germline. Affected: yes. Study: VKGL Data-share Consensus. Not counted in ClinVar's aggregate classification.

Genome Diagnostics Laboratory, Amsterdam University Medical Center
Classification: Benign. Review status: no assertion criteria provided. Collection method: clinical testing. Allele origin: germline. Affected: yes. Study: VKGL Data-share Consensus. Not counted in ClinVar's aggregate classification.

NM_000321.3(RB1):c.380+10C>G

Gene: RB1 (RB transcriptional corepressor 1; plus strand). Cytogenetic location: 13q14.2.
Variant type: single nucleotide variant.
Coding change: c.380+10C>G on transcript NM_000321.3 (MANE Select); 10 bases into the intron after coding-DNA position 380, C replaced by G.
Molecular consequence: intron variant.
Genome position (GRCh38, 1-based): chr13:48,342,724, C>G. VCF-style: chr13-48342724-C-G. GRCh37 (hg19) VCF-style: chr13-48916860-C-G.
Identifiers: ClinVar variation 92844 (VCV000092844.91), dbSNP rs187110786, ClinGen allele CA026452.